The following is an entry in ClinVar:

ClinVar aggregate classification (germline): Uncertain significance (1 of 4 stars; one submission).

Conditions:
Cardiovascular phenotype. Identifiers: MedGen CN230736.

Submission:

Ambry Genetics
Classification: Uncertain significance for Cardiovascular phenotype. Last evaluated: 2024-12-13. Review status: criteria provided, single submitter. Criteria: Ambry Variant Classification Scheme 2023. Collection method: clinical testing. Allele origin: germline.
Comment: The p.S570F variant (also known as c.1709C>T), located in coding exon 13 of the LAMA4 gene, results from a C to T substitution at nucleotide position 1709. The serine at codon 570 is replaced by phenylalanine, an amino acid with highly dissimilar properties. This amino acid position is conserved. In addition, this alteration is predicted to be tolerated by in silico analysis. Based on the available evidence, the clinical significance of this variant remains unclear.

NM_001105206.3(LAMA4):c.1730C>T (p.Ser577Phe)

Gene: LAMA4 (laminin subunit alpha 4; minus strand). Cytogenetic location: 6q21.
Variant type: single nucleotide variant.
Coding change: c.1730C>T on transcript NM_001105206.3 (MANE Select); coding-DNA position 1730, C replaced by T.
Protein change: p.Ser577Phe; replaces serine 577 with phenylalanine.
Molecular consequence: missense variant.
Genome position (GRCh38, 1-based): chr6:112,158,819, G>A on the plus strand (C>T on the coding strand, the complement: LAMA4 is on the minus strand). VCF-style: chr6-112158819-G-A. GRCh37 (hg19) VCF-style: chr6-112480021-G-A.
Other names: c.1709C>T, p.Ser570Phe (NM_001105207.3, NM_002290.5); short protein forms S577F, S570F.
Identifiers: ClinVar variation 3866202 (VCV003866202.1).
Genomic context (GRCh38, chr6:112,158,819, plus strand): 5'-AGGTCCTGTGCATGGTCAATAGCTTCTTGGACTAAATCATGGCTGAGGTTACTTAGGTTA[G>A]ATAGTTTTACTTGTAGTTCACTTTTGGCTCCATCTATTTCTGCATAAATCCCTGACGCAT-3'
Protein context (NP_001098676.2, residues 567-587): GAKSELQVKL[Ser577Phe]NLSNLSHDLV